The following is an entry in ClinVar:

NM_024334.3(TMEM43):c.99_120del (p.Gly34fs)

Gene: TMEM43 (transmembrane protein 43; plus strand). Cytogenetic location: 3p25.1.
Variant type: Deletion.
Coding change: c.99_120del on transcript NM_024334.3 (MANE Select); coding-DNA positions 99 to 120, 22 bases deleted (GGGTGGGATGTTTGTGGGGCTC).
Protein change: p.Gly34fs; shifts the reading frame from glycine 34.
Molecular consequence: frameshift variant. On other transcripts: intron variant (1).
Genome position (GRCh38, 1-based): chr3:14,129,498-14,129,519, GGGTGGGATGTTTGTGGGGCTC deleted; deleting any 22 consecutive bases within chr3:14,129,495-14,129,519 gives the same sequence; the c. name uses the placement nearest the transcript's 3' end. VCF-style (leftmost placement, unchanged base first): chr3-14129494-CCTCGGGTGGGATGTTTGTGGGG-C. GRCh37 (hg19) VCF-style: chr3-14170994-CCTCGGGTGGGATGTTTGTGGGG-C.
Other names: c.99_120del, p.Gly34fs (NM_001407278.1, NM_001407279.1, NM_001407274.1 and 3 more transcripts); c.13-1324_13-1303del (NM_001407280.1); short protein forms G34fs.
Identifiers: ClinVar variation 2704849 (VCV002704849.3), dbSNP rs2470176419, ClinGen allele CA2697550691.

ClinVar aggregate classification (germline): Uncertain significance (1 of 4 stars; one submission).

Conditions:
Arrhythmogenic right ventricular dysplasia 5. Also called: Arrhythmogenic Right Ventricular Dysplasia/Cardiomyopathy 5; ARRHYTHMOGENIC RIGHT VENTRICULAR DYSPLASIA, FAMILIAL, 5. Identifiers: MedGen C1858379, MONDO:0011459, OMIM 604400.

Submission:

Labcorp Genetics (formerly Invitae), Labcorp
Classification: Uncertain significance for Arrhythmogenic right ventricular dysplasia 5. Last evaluated: 2025-04-13. Review status: criteria provided, single submitter. Criteria: Invitae Variant Classification Sherloc (09022015). Collection method: clinical testing. Allele origin: germline.
Comment: This sequence change creates a premature translational stop signal (p.Gly34Trpfs*9) in the TMEM43 gene. It is expected to result in an absent or disrupted protein product. However, the current clinical and genetic evidence is not sufficient to establish whether loss-of-function variants in TMEM43 cause disease. This variant is not present in population databases (gnomAD no frequency). This variant has not been reported in the literature in individuals affected with TMEM43-related conditions. ClinVar contains an entry for this variant (Variation ID: 2704849). In summary, the available evidence is currently insufficient to determine the role of this variant in disease. Therefore, it has been classified as a Variant of Uncertain Significance.